The following is an entry in ClinVar:

NM_000075.4(CDK4):c.581C>A (p.Pro194His)

Gene: CDK4 (cyclin dependent kinase 4; minus strand). Cytogenetic location: 12q14.1.
Variant type: single nucleotide variant.
Coding change: c.581C>A on transcript NM_000075.4 (MANE Select); coding-DNA position 581, C replaced by A.
Protein change: p.Pro194His; replaces proline 194 with histidine.
Molecular consequence: missense variant.
Genome position (GRCh38, 1-based): chr12:57,750,707, G>T on the plus strand (C>A on the coding strand, the complement: CDK4 is on the minus strand). VCF-style: chr12-57750707-G-T. GRCh37 (hg19) VCF-style: chr12-58144490-G-T.
Other names: short protein forms P194H.
Identifiers: ClinVar variation 845643 (VCV000845643.10), dbSNP rs1198423952, ClinGen allele CA385545788.

ClinVar aggregate classification (germline): Uncertain significance. Review status: criteria provided, multiple submitters, no conflicts (2 of 4 stars). 2 submissions from 2 submitters: Uncertain significance (2). Last evaluated 2024-04-16.

Conditions:
Melanoma, cutaneous malignant, susceptibility to, 3. Also called: Cutaneous malignant melanoma 3. Identifiers: Orphanet 618, MedGen C1836892, MONDO:0012183, OMIM 609048.
Familial melanoma. Also called: Hereditary melanoma; Hereditary cutaneous melanoma. Identifiers: Orphanet 618, MedGen C1512419, MONDO:0018961.

Submissions (2):

Fulgent Genetics
Classification: Uncertain significance for Melanoma, cutaneous malignant, susceptibility to, 3. Last evaluated: 2024-04-16. Review status: criteria provided, single submitter. Criteria: ACMG Guidelines, 2015. Collection method: clinical testing. Allele origin: germline.

Labcorp Genetics (formerly Invitae), Labcorp
Classification: Uncertain significance for Familial melanoma. Last evaluated: 2019-01-05. Review status: criteria provided, single submitter. Criteria: Invitae Variant Classification Sherloc (09022015). Collection method: clinical testing. Allele origin: germline.
Comment: In summary, the available evidence is currently insufficient to determine the role of this variant in disease. Therefore, it has been classified as a Variant of Uncertain Significance. Algorithms developed to predict the effect of missense changes on protein structure and function are either unavailable or do not agree on the potential impact of this missense change (SIFT: "Deleterious"; PolyPhen-2: "Possibly Damaging"; Align-GVGD: "Class C0"). This variant has not been reported in the literature in individuals with CDK4-related conditions. This variant is not present in population databases (ExAC no frequency). This sequence change replaces proline with histidine at codon 194 of the CDK4 protein (p.Pro194His). The proline residue is highly conserved and there is a moderate physicochemical difference between proline and histidine.